The following is an entry in ClinVar:

NM_144997.7(FLCN):c.1106T>G (p.Leu369Arg)

Gene: FLCN (folliculin; minus strand). Cytogenetic location: 17p11.2.
Variant type: single nucleotide variant.
Coding change: c.1106T>G on transcript NM_144997.7 (MANE Select); coding-DNA position 1106, T replaced by G.
Protein change: p.Leu369Arg; replaces leucine 369 with arginine.
Molecular consequence: missense variant.
Genome position (GRCh38, 1-based): chr17:17,217,139, A>C on the plus strand (T>G on the coding strand, the complement: FLCN is on the minus strand). VCF-style: chr17-17217139-A-C. GRCh37 (hg19) VCF-style: chr17-17120453-A-C.
Other names: p.Leu369Arg; c.1160T>G, p.Leu387Arg (NM_001353229.2); c.1106T>G, p.Leu369Arg (NM_001353230.2, NM_001353231.2); short protein forms L369R, L387R.
Identifiers: ClinVar variation 4542133 (VCV004542133.1).
Genomic context (GRCh38, chr17:17,217,139, plus strand): 5'-TCAAAAGCTGACTGGACGAGGTCCACGTCTCTGCTTTTCCAGATCACCTGGTTCCCCATG[A>C]GAACGTGCCAGGCCAGCATGCGGAAAGAAGGGGCACCCAGGACCTAAACAAGAGAGTGCA-3'
Protein context (NP_659434.2, residues 359-379): PSFRMLAWHV[Leu369Arg]MGNQVIWKSR

ClinVar aggregate classification (germline): Uncertain significance (1 of 4 stars; one submission).

Submission:

Mayo Clinic Laboratories, Mayo Clinic
Classification: Uncertain significance. Last evaluated: 2025-02-05. Review status: criteria provided, single submitter. Criteria: ACMG Guidelines, 2015. Collection method: clinical testing. Allele origin: germline. Observed: 1 variant allele.
Comment: PP3, PM2_supporting